The following is an entry in ClinVar:

ClinVar aggregate classification (germline): Conflicting classifications of pathogenicity. Review status: criteria provided, conflicting classifications (1 of 4 stars). 30 submissions from 30 submitters: Likely pathogenic (6); Uncertain significance (20). 4 of the submissions do not count toward it. Last evaluated 2026-07-31.

Conditions:
Familial cancer of breast. Also called: Hereditary breast cancer; hereditary breast carcinoma; BREAST CANCER, FAMILIAL. Identifiers: Orphanet 227535, MedGen C0346153, MONDO:0016419, OMIM 114480. Disease mechanism: loss of function.
CHEK2-related cancer predisposition (TPDS4). Also called: TUMOR PREDISPOSITION SYNDROME 4; CANCER PREDISPOSITION SYNDROME, CHEK2-RELATED; CHEK2-related cancer susceptibility. Identifiers: Orphanet 524, MedGen C5882668, MONDO:0700271, OMIM 609265.
Bone osteosarcoma. Also called: Osteosarcoma, somatic. Identifiers: Orphanet 668, MedGen C0585442, MONDO:0002629, OMIM 259500.
Prostate cancer. Also called: Malignant tumor of prostate. Identifiers: Orphanet 1331, MedGen C0376358, MONDO:0008315, HP:0012125.
Breast and/or ovarian cancer. Identifiers: MedGen CN221562.
Hereditary cancer-predisposing syndrome. Also called: Tumor predisposition; Hereditary neoplastic syndrome; Hereditary Cancer Syndrome; Neoplastic Syndromes, Hereditary. Identifiers: Orphanet 140162, MedGen C0027672, MeSH D009386, MONDO:0015356.
Hereditary breast ovarian cancer syndrome. Also called: Hereditary breast and ovarian cancer; Hereditary breast and/or ovarian cancer syndrome; BRCA1- and BRCA2-Associated Hereditary Breast and Ovarian Cancer; Hereditary breast and ovarian cancer syndrome (HBOC); Hereditary breast and ovarian cancer syndrome; Breast and ovarian cancer. Identifiers: Orphanet 145, MedGen C0677776, MeSH D061325, MONDO:0003582. Disease mechanism: loss of function.
Breast-ovarian cancer, familial, susceptibility to, 1 (BROVCA1). Also called: BRCA1 Hereditary Breast and Ovarian Cancer; OVARIAN CANCER, SUSCEPTIBILITY TO. Identifiers: Orphanet 145, MedGen C2676676, MONDO:0011450, OMIM 604370. Disease mechanism: loss of function.
Malignant tumor of breast. Also called: Cancer breast; Malignant breast neoplasm. Identifiers: MedGen C0006142, MONDO:0007254. Disease mechanism: loss of function.

Allele frequency attached by ClinVar (database versions not stated): gnomAD 0.00001; TOPMed 0.00002; ExAC 0.00004; gnomAD exomes 0.00005.
gnomAD v4.1: 72 of 1,612,746 alleles (0.0045%); highest among the groups gnomAD compares: Non-Finnish European, 0.0052%; no homozygotes.

Submissions 1 to 7 of 30:

Institute of Human Genetics, University of Leipzig Medical Center
Classification: Likely pathogenic for CHEK2-related cancer predisposition. Last evaluated: 2026-07-31. Review status: criteria provided, single submitter. Criteria: ACMG Guidelines, 2015. Collection method: clinical testing. Allele origin: maternal. Affected: yes.
Comment: Criteria applied: PS3,PS4_MOD,PP3

OLLIN Analises Genomicas, OLLIN
Classification: Uncertain significance for CHEK2-related cancer predisposition. Last evaluated: 2026-02-13. Review status: criteria provided, single submitter. Criteria: ACMG Guidelines 2015 PMID 25741868. Collection method: clinical testing. Allele origin: germline. Observed: 1 variant allele.
Comment: PS4_P, PP3_M

Dasa
Classification: Uncertain significance. Last evaluated: 2025-11-25. Review status: criteria provided, single submitter. Criteria: DASA Assertion Criteria. Collection method: clinical testing. Allele origin: germline.
Comment: NM_007194.4(CHEK2):c.1036C>T (p.Arg346Cys) is a missense variant that results in the substitution of arginine with cysteine. This variant has been recurrently observed in individuals with CHEK2-related disorders (PMID: 33134171; PMID: 27595995; PMID: 31398194; PMID: 32359370; PMID: 28452373). Functional evidence supports an impact on the gene or gene product. Also, this variant is rare in population databases. Computational prediction algorithms are consistent with a deleterious effect. The currently available literature and clinical evidence are not sufficient to establish a definitive association between this variant and the reported condition. Therefore, this variant is classified as a variant of uncertain significance.

Institute of Immunology and Genetics Kaiserslautern
Classification: Uncertain significance for Breast-ovarian cancer, familial, susceptibility to, 1. Last evaluated: 2025-07-30. Review status: criteria provided, single submitter. Criteria: ACMG Guidelines, 2015. Collection method: clinical testing. Allele origin: germline. Affected: yes.
Comment: ACMG Criteria: PS3_P, PM1, PP3 ; Variant was found in heterozygous state.

Molecular Diagnostics Laboratory, Catalan Institute of Oncology
Classification: Likely pathogenic for Hereditary cancer-predisposing syndrome. Last evaluated: 2025-07-15. Review status: criteria provided, single submitter. Criteria: ACMG Guidelines, 2015. Collection method: clinical testing. Allele origin: germline.
Comment: PS3_Moderate, PS4, PM1, PM2_Supporting c.1036C>T, located in exon 10 of the CHEK2 gene, is predicted to result in the substitution of Arg by Cys at codon 346, p.(Arg346Cys). This variant affects a highly conserved amino acid of the kinase-domain (226-486 aa) (PM1). This variant is found in 10/268119 alleles at a frequency of 0.0037% in the gnomAD v2.1.1 database, non-cancer dataset (PM2_Supporting). The SpliceAI algorithm predicts no significant impact on splicing and the REVEL meta-predictor score for this variant (0.78) suggests a deleterious effect on protein function according to Pejaver 2022 thresholds (PMID: 36413997). Functional studies (kinase activity in human cells and DNA-damage response in yeast cells) have shown that this variant has a damaging effect (PMID: 30851065, 37449874) (PS3_Moderate). This variant has been associated with breast cancer risk, in at leat to case-control studies, resulting in OR: 5.06 (CI: 1.09-23) (PMID: 27595995) and OR: 5.85 (CI: 2.00-16.92) (PMID: 37449874) (PS4). It has been reported in ClinVar (7x likely pathogenic, 15x uncertain significance) and LOVD (3x likely pathogenic, 1x uncertain significance) databases. Based on the currently available evidence, c.1036C>T should be considered a likely pathogenic variant according to ACMG/AMP classification guidelines.

Color Diagnostics, LLC DBA Color Health
Classification: Likely pathogenic for Hereditary cancer-predisposing syndrome. Last evaluated: 2025-05-20. Review status: criteria provided, single submitter. Criteria: ACMG Guidelines, 2015. Collection method: clinical testing. Allele origin: germline.
Comment: This missense variant replaces arginine with cysteine at codon 346 in the kinase domain of the CHEK2 protein. Computational prediction suggests that this variant may have deleterious impact on protein structure and function. A functional study in human cells has shown the mutant protein to be defective in KAP1 phosphorylation and CHEK2 autophosphorylation (PMID: 37449874) and a study in yeast has shown the mutant protein to be defective in DNA damage response (PMID: 30851065). This variant has been reported in several large breast cancer case-control studies or meta-analyses, achieving a statistically significant association with breast cancer in the largest of these studies (23/73048 cases and 4/88658 unaffected controls (OR=5.85, 95% CI 2.00-16.92) (PMID: 37449874). These findings are consistent with a risk comparable to pathogenic truncating variants and certain pathogenic missense variants in CHEK2, such as p.Arg117Gly which has been reported to have an association with breast cancer (OR 2.38, 95% CI 1.59-3.57PMID: 37490054, 37449874). The other smaller studies showed similar association but had not yet achieved statistical significance (10/60466 cases and 2/53461 unaffected controls (OR=4.421, 95% CI 0.969-20.18) (PMID: 33471991Leiden Open Variation Database DB-ID CHEK2_00011), 9/42671 cases and 2/42164 unaffected controls (OR=5.06. 95% CI 1.09-23.5) (PMID: 27595995), and 3/1313 cases and 0/1123 unaffected controls (OR=5.91, 95% CI 0.3051 to 114.5995) (PMID: 21244692). This variant has been identified in 13/251222 chromosomes in the general population by the Genome Aggregation Database (gnomAD). Based on the available evidence, this variant is classified as Likely Pathogenic.

Mayo Clinic Laboratories, Mayo Clinic
Classification: Uncertain significance. Last evaluated: 2025-04-29. Review status: criteria provided, single submitter. Criteria: ACMG Guidelines, 2015. Collection method: clinical testing. Allele origin: germline. Observed: 1 variant allele.
Comment: PP3_moderate, PS4_supporting

NM_007194.4(CHEK2):c.1036C>T (p.Arg346Cys)

Gene: CHEK2 (checkpoint kinase 2; minus strand). Cytogenetic location: 22q12.1.
Variant type: single nucleotide variant.
Coding change: c.1036C>T on transcript NM_007194.4 (MANE Select); coding-DNA position 1036, C replaced by T.
Protein change: p.Arg346Cys; replaces arginine 346 with cysteine.
Molecular consequence: missense variant. On other transcripts: intron variant (3).
Genome position (GRCh38, 1-based): chr22:28,696,960, G>A on the plus strand (C>T on the coding strand, the complement: CHEK2 is on the minus strand). VCF-style: chr22-28696960-G-A. GRCh37 (hg19) VCF-style: chr22-29092948-G-A.
Other names: p.R346C:CGT>TGT; p.Arg346Cys; c.1165C>T, p.Arg389Cys (NM_001005735.3); c.373C>T, p.Arg125Cys (NM_001257387.3, NM_001437942.1); c.835C>T, p.Arg279Cys (NM_001349956.3); c.1129C>T, p.Arg377Cys (NM_001438293.1); c.1009-1087C>T (NM_145862.3); c.1102-1087C>T (NM_001438295.1); and 1 more; short protein forms R346C, R125C, R389C, R279C, R377C.
Identifiers: ClinVar variation 142222 (VCV000142222.63), dbSNP rs201206424, ClinGen allele CA294328.
Genomic context (GRCh38, chr22:28,696,960, plus strand): 5'-CCTTTATAAGACAGTCCTCTTCTTGAGATGACAGTAAAACATTCTCTGGCTTTAAGTCAC[G>A]GTGTATAATACCGTTTTCATGAAGGTACTACACAGAAAGGCAGGCATGACCCTCAGATTC-3'
Protein context (NP_009125.1, residues 336-356): QYLHENGIIH[Arg346Cys]DLKPENVLLS